The following is an entry in ClinVar:

NM_001080449.3(DNA2):c.2561C>T (p.Ala854Val)

Gene: DNA2 (DNA replication helicase/nuclease 2; minus strand). Cytogenetic location: 10q21.3.
Variant type: single nucleotide variant.
Coding change: c.2561C>T on transcript NM_001080449.3 (MANE Select); coding-DNA position 2561, C replaced by T.
Protein change: p.Ala854Val; replaces alanine 854 with valine.
Molecular consequence: missense variant. On other transcripts: non-coding transcript variant (1).
Genome position (GRCh38, 1-based): chr10:68,422,361, G>A on the plus strand (C>T on the coding strand, the complement: DNA2 is on the minus strand). VCF-style: chr10-68422361-G-A. GRCh37 (hg19) VCF-style: chr10-70182118-G-A.
Other names: short protein forms A854V.
Identifiers: ClinVar variation 1721730 (VCV001721730.5), dbSNP rs2493902681, ClinGen allele CA376845835.

ClinVar aggregate classification (germline): Uncertain significance (1 of 4 stars; one submission).

Submission:

Labcorp Genetics (formerly Invitae), Labcorp
Classification: Uncertain significance. Last evaluated: 2022-11-28. Review status: criteria provided, single submitter. Criteria: Invitae Variant Classification Sherloc (09022015). Collection method: clinical testing. Allele origin: germline.
Comment: In summary, the available evidence is currently insufficient to determine the role of this variant in disease. Therefore, it has been classified as a Variant of Uncertain Significance. Advanced modeling of protein sequence and biophysical properties (such as structural, functional, and spatial information, amino acid conservation, physicochemical variation, residue mobility, and thermodynamic stability) performed at Invitae indicates that this missense variant is expected to disrupt DNA2 protein function. This variant has not been reported in the literature in individuals affected with DNA2-related conditions. This variant is not present in population databases (gnomAD no frequency). This sequence change replaces alanine, which is neutral and non-polar, with valine, which is neutral and non-polar, at codon 854 of the DNA2 protein (p.Ala854Val).